The following is an entry in ClinVar:

NM_015425.6(POLR1A):c.1237A>G (p.Lys413Glu)

Gene: POLR1A (RNA polymerase I subunit A; minus strand). Cytogenetic location: 2p11.2.
Variant type: single nucleotide variant.
Coding change: c.1237A>G on transcript NM_015425.6 (MANE Select); coding-DNA position 1237, A replaced by G.
Protein change: p.Lys413Glu; replaces lysine 413 with glutamic acid.
Molecular consequence: missense variant.
Genome position (GRCh38, 1-based): chr2:86,078,134, T>C on the plus strand (A>G on the coding strand, the complement: POLR1A is on the minus strand). VCF-style: chr2-86078134-T-C. GRCh37 (hg19) VCF-style: chr2-86305257-T-C.
Other names: short protein forms K413E.
Identifiers: ClinVar variation 1305022 (VCV001305022.2), dbSNP rs1558780023, ClinGen allele CA347552193.

ClinVar aggregate classification (germline): Uncertain significance (1 of 4 stars; one submission).

Allele frequency attached by ClinVar (database versions not stated): gnomAD exomes below 0.00001.

Submission:

GeneDx
Classification: Uncertain significance. Last evaluated: 2019-04-09. Review status: criteria provided, single submitter. Criteria: GeneDx Variant Classification Process June 2021. Collection method: clinical testing. Allele origin: germline. Affected: yes.
Comment: Has not been previously published as pathogenic or benign to our knowledge; Not observed in large population cohorts (Lek et al., 2016); In silico analysis, which includes protein predictors and evolutionary conservation, supports that this variant does not alter protein structure/function